The following is an entry in ClinVar:

NM_138694.4(PKHD1):c.610dup (p.Ile204fs)

Gene: PKHD1 (PKHD1 ciliary IPT domain containing fibrocystin/polyductin; minus strand). Cytogenetic location: 6p12.2.
Variant type: Duplication.
Coding change: c.610dup on transcript NM_138694.4 (MANE Select); coding-DNA position 610, one base duplicated (A; older notation c.610dupA).
Protein change: p.Ile204fs; shifts the reading frame from isoleucine 204.
Molecular consequence: frameshift variant.
Genome position (GRCh38, 1-based): chr6:52,071,063, T duplicated on the plus strand (A on the coding strand, the reverse complement: PKHD1 is on the minus strand). VCF-style (leftmost placement, unchanged base first): chr6-52071062-A-AT. GRCh37 (hg19) VCF-style: chr6-51935860-A-AT.
Other names: c.610dup, p.Ile204fs (NM_170724.3); short protein forms I204fs.
Identifiers: ClinVar variation 5012510 (VCV005012510.1).
Genomic context (GRCh38, chr6:52,071,062, plus strand): 5'-AGACCGATGTAGTCGCCTTCCACATGGCACTGCAGAGTCCCAAGACCATGGTCCTCCTGA[A>AT]TAGGATAACTAAGGAAAAGACAAACTGAGGTAAGAATGACCAGACAACTCACTACCAGAA-3'

ClinVar aggregate classification (germline): Pathogenic (1 of 4 stars; one submission).

Conditions:
Polycystic kidney disease 4 (PKD4). Also called: POLYCYSTIC KIDNEY AND HEPATIC DISEASE 1; POLYCYSTIC KIDNEY DISEASE, INFANTILE, TYPE I; POLYCYSTIC KIDNEY DISEASE 4 WITH OR WITHOUT POLYCYSTIC LIVER DISEASE; PKD3; Autosomal Recessive Polycystic Kidney Disease – PKHD1. Identifiers: MedGen C4540575, MONDO:0033004, OMIM 263200.

Submission:

Myriad Genetics, Inc.
Classification: Pathogenic for Polycystic kidney disease 4. Last evaluated: 2023-11-21. Review status: criteria provided, single submitter. Criteria: Myriad Autosomal Dominant, Autosomal Recessive and X-Linked Classification Criteria (2023). Collection method: clinical testing. Allele origin: unknown.
Comment: NM_138694.3(PKHD1):c.610dupA(I204Nfs*25) is expected to be pathogenic in the context of autosomal recessive polycystic kidney disease, PKHD1-related. This variant is predicted to lead to an abnormal or absent protein product due to the creation of a premature termination codon in PKHD1, a gene where loss-of-function variants are known to be pathogenic. Please note: this variant was assessed in the context of healthy population screening.